The following is an entry in ClinVar:

NM_007194.4(CHEK2):c.1418C>G (p.Ala473Gly)

Gene: CHEK2 (checkpoint kinase 2; minus strand). Cytogenetic location: 22q12.1.
Variant type: single nucleotide variant.
Coding change: c.1418C>G on transcript NM_007194.4 (MANE Select); coding-DNA position 1418, C replaced by G.
Protein change: p.Ala473Gly; replaces alanine 473 with glycine.
Molecular consequence: missense variant.
Genome position (GRCh38, 1-based): chr22:28,694,075, G>C on the plus strand (C>G on the coding strand, the complement: CHEK2 is on the minus strand). VCF-style: chr22-28694075-G-C. GRCh37 (hg19) VCF-style: chr22-29090063-G-C.
Other names: c.1547C>G, p.Ala516Gly (NM_001005735.3); c.755C>G, p.Ala252Gly (NM_001257387.3); c.1217C>G, p.Ala406Gly (NM_001349956.3); c.1331C>G, p.Ala444Gly (NM_145862.3); short protein forms A444G, A516G, A252G, A473G, A406G.
Identifiers: ClinVar variation 1465096 (VCV001465096.9), dbSNP rs1060502685, ClinGen allele CA411094295.

ClinVar aggregate classification (germline): Uncertain significance (1 of 4 stars; one submission).

Conditions:
Familial cancer of breast. Also called: Hereditary breast cancer; hereditary breast carcinoma; BREAST CANCER, FAMILIAL. Identifiers: Orphanet 227535, MedGen C0346153, MONDO:0016419, OMIM 114480. Disease mechanism: loss of function.

Submission:

Labcorp Genetics (formerly Invitae), Labcorp
Classification: Uncertain significance for Familial cancer of breast. Last evaluated: 2025-12-10. Review status: criteria provided, single submitter. Criteria: Invitae Variant Classification Sherloc (09022015). Collection method: clinical testing. Allele origin: germline.
Comment: This sequence change replaces alanine, which is neutral and non-polar, with glycine, which is neutral and non-polar, at codon 473 of the CHEK2 protein (p.Ala473Gly). This variant is not present in population databases (gnomAD no frequency). This variant has not been reported in the literature in individuals affected with CHEK2-related conditions. ClinVar contains an entry for this variant (Variation ID: 1465096). An algorithm developed to predict the effect of missense changes on protein structure and function (PolyPhen-2) suggests that this variant is likely to be tolerated. In summary, the available evidence is currently insufficient to determine the role of this variant in disease. Therefore, it has been classified as a Variant of Uncertain Significance.